The following is an entry in ClinVar:

NM_000059.4(BRCA2):c.3515C>T (p.Ser1172Leu)

Gene: BRCA2 (BRCA2 DNA repair associated; plus strand). Cytogenetic location: 13q13.1.
Variant type: single nucleotide variant.
Coding change: c.3515C>T on transcript NM_000059.4 (MANE Select); coding-DNA position 3515, C replaced by T.
Protein change: p.Ser1172Leu; replaces serine 1172 with leucine.
Molecular consequence: missense variant.
Genome position (GRCh38, 1-based): chr13:32,337,870, C>T. VCF-style: chr13-32337870-C-T. GRCh37 (hg19) VCF-style: chr13-32912007-C-T.
Other names: p.S1172L:TCG>TTG; 3743C>T; short protein forms S1172L.
Identifiers: ClinVar variation 41546 (VCV000041546.86), dbSNP rs80358600, ClinGen allele CA018231.

ClinVar aggregate classification (germline): Benign. Review status: reviewed by expert panel (3 of 4 stars). 36 submissions from 34 submitters: Benign (1). 35 of the submissions do not count toward it. Last evaluated 2015-08-10.

Conditions:
BRCA2-related disorder. Also called: BRCA2-related condition; BRCA2-related disorders. Identifiers: MedGen CN239275.
Hereditary cancer-predisposing syndrome. Also called: Neoplastic Syndromes, Hereditary; Hereditary neoplastic syndrome; Hereditary Cancer Syndrome; Tumor predisposition. Identifiers: Orphanet 140162, MedGen C0027672, MeSH D009386, MONDO:0015356.
Breast and/or ovarian cancer. Identifiers: MedGen CN221562.
Hereditary breast ovarian cancer syndrome. Also called: Hereditary breast and ovarian cancer syndrome (HBOC); Breast and ovarian cancer; BRCA1- and BRCA2-Associated Hereditary Breast and Ovarian Cancer; Hereditary breast and ovarian cancer syndrome; Hereditary breast and ovarian cancer; Hereditary breast and/or ovarian cancer syndrome. Identifiers: Orphanet 145, MedGen C0677776, MeSH D061325, MONDO:0003582. Disease mechanism: loss of function.
Fanconi anemia complementation group D1. Also called: BRCA2-Related Fanconi Anemia. Identifiers: Orphanet 319462, MedGen C1838457, MONDO:0011584, OMIM 605724.
Breast-ovarian cancer, familial, susceptibility to, 2 (BROVCA2). Also called: BRCA2 Hereditary Breast and Ovarian Cancer. Identifiers: Orphanet 145, MedGen C2675520, MONDO:0012933, OMIM 612555. Disease mechanism: loss of function.

Allele frequency attached by ClinVar (database versions not stated): 1000 Genomes Project 30x 0.00062; TOPMed 0.00021; 1000 Genomes Project 0.00080; ExAC 0.00138; ESP Exome Variant Server 0.00038; gnomAD 0.00138 and 0.00146; gnomAD exomes 0.00142.
gnomAD v4.1: 1,297 of 1,614,020 alleles (0.08%); highest among the groups gnomAD compares: South Asian, 0.045%; 6 homozygotes.

Submissions 1 to 17 of 36:

Evidence-based Network for the Interpretation of Germline Mutant Alleles (ENIGMA)
Classification: Benign for Breast-ovarian cancer, familial 2. Last evaluated: 2015-08-10. Review status: reviewed by expert panel. Criteria: ENIGMA BRCA1/2 Classification Criteria (2015). Collection method: curation. Allele origin: germline.
Comment: IARC class based on posterior probability from multifactorial likelihood analysis, thresholds for class as per Plon et al. 2008 (PMID: 18951446). Class 1 based on posterior probability = 0.000000315

CeGaT Center for Human Genetics Tuebingen
Classification: Benign. Last evaluated: 2026-08-01. Review status: criteria provided, single submitter. Criteria: CeGaT Center For Human Genetics Tuebingen Variant Classification Criteria Version 2. Collection method: clinical testing. Allele origin: germline. Affected: yes. Observed: 13 variant alleles. Not counted in ClinVar's aggregate classification.
Comment: BRCA2: BP4, BS1, BS2

Labcorp Genetics (formerly Invitae), Labcorp
Classification: Benign for Hereditary breast ovarian cancer syndrome. Last evaluated: 2026-02-03. Review status: criteria provided, single submitter. Criteria: Invitae Variant Classification Sherloc (09022015). Collection method: clinical testing. Allele origin: germline. Not counted in ClinVar's aggregate classification.

Dasa
Classification: Likely benign for Breast-ovarian cancer, familial, susceptibility to, 2. Last evaluated: 2025-12-19. Review status: criteria provided, single submitter. Criteria: DASA Assertion Criteria. Collection method: clinical testing. Allele origin: germline. Not counted in ClinVar's aggregate classification.
Comment: NM_000059.4(BRCA2):c.3515C>T (p.Ser1172Leu) is interpreted based on available population and clinical evidence, including population frequency and no convincing observation in affected individuals. Based on the available data, this variant is classified as likely benign.

Center for Genomic Medicine, Rigshospitalet, Copenhagen University Hospital
Classification: Benign. Last evaluated: 2025-03-04. Review status: criteria provided, single submitter. Criteria: ACMG Guidelines, 2015. Collection method: clinical testing. Allele origin: germline. Not counted in ClinVar's aggregate classification.

Mayo Clinic Laboratories, Mayo Clinic
Classification: Benign. Last evaluated: 2024-11-21. Review status: criteria provided, single submitter. Criteria: ACMG Guidelines, 2015. Collection method: clinical testing. Allele origin: germline. Observed: 2 variant alleles. Not counted in ClinVar's aggregate classification.
Comment: BS1, BP1_strong

Blueprint Genetics
Classification: Likely benign. Last evaluated: 2024-11-07. Review status: criteria provided, single submitter. Criteria: ACMG Guidelines, 2015. Collection method: clinical testing. Allele origin: germline. Not counted in ClinVar's aggregate classification.

Institute for Biomarker Research, Medical Diagnostic Laboratories, L.L.C.
Classification: Likely benign for Hereditary cancer-predisposing syndrome. Last evaluated: 2024-09-10. Review status: criteria provided, single submitter. Criteria: ACMG Guidelines, 2015. Collection method: clinical testing. Allele origin: germline. Not counted in ClinVar's aggregate classification.
Comment: The synonymous variant NM_000038.6(APC):c.5250C>T (p.Val1750=) has been reported to ClinVar as Benign/Likely benign with a status of (2 stars) criteria provided, multiple submitters, no conflicts (Variation ID 184668 as of 2024-08-01). The p.Val1750= variant is observed in 12/10,044 (0.1195%) alleles from individuals of gnomAD Ashkenazi Jewish background in gnomAD, which is greater than expected for the disorder. The p.Val1750= variant is not predicted to disrupt an existing splice site. The p.Val1750= variant results in a substitution of a base that is not predicted conserved by GERP++ and PhyloP. For these reasons, this variant has been classified as Likely Benign.

Institute for Biomarker Research, Medical Diagnostic Laboratories, L.L.C.
Classification: Benign for Hereditary breast ovarian cancer syndrome. Last evaluated: 2024-09-03. Review status: criteria provided, single submitter. Criteria: ACMG Guidelines, 2015. Collection method: clinical testing. Allele origin: germline. Not counted in ClinVar's aggregate classification.
Comment: The missense variant NM_000059.4(BRCA2):c.3515C>T (p.Ser1172Leu) has been reported to ClinVar as Benign with a status of (3 stars) reviewed by expert panel (Variation ID 41546 as of 2024-08-01). There is a large physicochemical difference between serine and leucine, which is likely to impact secondary protein structure as these residues differ in polarity, charge, size and/or other properties. The gene BRCA2 has a low rate of benign missense variation as indicated by a high missense variants Z-Score of 1.00. The gene BRCA2 contains 146 pathogenic missense variants, indicating that missense variants are a common mechanism of disease in this gene. For these reasons, this variant has been classified as Benign.

Institute for Clinical Genetics, University Hospital TU Dresden, University Hospital TU Dresden
Classification: Benign. Last evaluated: 2021-11-03. Review status: criteria provided, single submitter. Criteria: ACMG Guidelines, 2015. Collection method: clinical testing. Allele origin: germline. Not counted in ClinVar's aggregate classification.

Genetic Services Laboratory, University of Chicago
Classification: Likely benign. Last evaluated: 2021-07-21. Review status: criteria provided, single submitter. Criteria: ACMG Guidelines, 2015. Collection method: clinical testing. Allele origin: germline. Affected: no. Not counted in ClinVar's aggregate classification.

Sema4
Classification: Benign for Hereditary cancer-predisposing syndrome. Last evaluated: 2021-02-01. Review status: criteria provided, single submitter. Criteria: Sema4 Curation Guidelines. Collection method: curation. Allele origin: germline. Not counted in ClinVar's aggregate classification.

Mendelics
Classification: Likely benign for Breast-ovarian cancer, familial, susceptibility to, 2. Last evaluated: 2019-05-28. Review status: criteria provided, single submitter. Criteria: Mendelics Assertion Criteria 2017. Collection method: clinical testing. Allele origin: unknown. Not counted in ClinVar's aggregate classification.

Illumina Laboratory Services, Illumina
Classification: Likely benign for Breast-ovarian cancer, familial, susceptibility to, 2. Last evaluated: 2017-04-28. Review status: criteria provided, single submitter. Criteria: ICSL Variant Classification Criteria 13 December 2019. Collection method: clinical testing. Allele origin: germline. Not counted in ClinVar's aggregate classification.
Comment: This variant was observed as part of a predisposition screen in an ostensibly healthy population. A literature search was performed for the gene, cDNA change, and amino acid change (where applicable). Publications were found based on this search. The evidence from the literature, in combination with allele frequency data from public databases where available, was sufficient to determine this variant is unlikely to cause disease. Therefore, this variant is classified as likely benign.

Illumina Laboratory Services, Illumina
Classification: Likely benign for Fanconi anemia complementation group D1. Last evaluated: 2017-04-28. Review status: criteria provided, single submitter. Criteria: ICSL Variant Classification Criteria 13 December 2019. Collection method: clinical testing. Allele origin: germline. Not counted in ClinVar's aggregate classification.
Comment: This variant was observed as part of a predisposition screen in an ostensibly healthy population. A literature search was performed for the gene, cDNA change, and amino acid change (where applicable). No publications were found based on this search. Allele frequency data from public databases allowed determination this variant is unlikely to cause disease. Therefore, this variant is classified as likely benign.

Department of Pathology and Molecular Medicine, Queen's University
Classification: Benign. Last evaluated: 2017-04-20. Review status: criteria provided, single submitter. Criteria: ACMG Guidelines, 2015. Collection method: clinical testing. Allele origin: germline. Study: The Canadian Open Genetics Repository (COGR). Not counted in ClinVar's aggregate classification.

ARUP Laboratories, Molecular Genetics and Genomics, ARUP Laboratories
Classification: Benign. Last evaluated: 2017-02-08. Review status: criteria provided, single submitter. Criteria: ARUP Molecular Germline Variant Investigation Process. Collection method: clinical testing. Allele origin: germline. Not counted in ClinVar's aggregate classification.